The following is an entry in ClinVar:

ClinVar aggregate classification (germline): Uncertain significance. Review status: criteria provided, multiple submitters, no conflicts (2 of 4 stars). 7 submissions from 6 submitters: Uncertain significance (5). 2 of the submissions do not count toward it. Last evaluated 2025-09-19.

Conditions:
Hereditary cancer-predisposing syndrome. Also called: Tumor predisposition; Hereditary Cancer Syndrome; Hereditary neoplastic syndrome; Neoplastic Syndromes, Hereditary. Identifiers: Orphanet 140162, MedGen C0027672, MeSH D009386, MONDO:0015356.
Ovarian cancer. Also called: OVARIAN CANCER, SOMATIC. Identifiers: Orphanet 213500, MedGen C1140680, MONDO:0008170, OMIM 167000.
Familial cancer of breast. Also called: BREAST CANCER, FAMILIAL; hereditary breast carcinoma; Hereditary breast cancer. Identifiers: Orphanet 227535, MedGen C0346153, MONDO:0016419, OMIM 114480. Disease mechanism: loss of function.
Fanconi anemia complementation group J. Also called: BRIP1-Related Fanconi Anemia. Identifiers: Orphanet 84, MedGen C1836860, MONDO:0012187, OMIM 609054.

Allele frequency attached by ClinVar (database versions not stated): gnomAD exomes below 0.00001; TOPMed below 0.00001.
gnomAD v4.1: 1 of 1,614,022 alleles (0.000062%); highest among the groups gnomAD compares: Non-Finnish European, 0.000085%; no homozygotes.

Submissions (7):

Labcorp Genetics (formerly Invitae), Labcorp
Classification: Uncertain significance for Familial cancer of breast; Fanconi anemia complementation group J. Last evaluated: 2025-09-19. Review status: criteria provided, single submitter. Criteria: Invitae Variant Classification Sherloc (09022015). Collection method: clinical testing. Allele origin: germline.
Comment: This sequence change replaces tyrosine, which is neutral and polar, with cysteine, which is neutral and slightly polar, at codon 369 of the BRIP1 protein (p.Tyr369Cys). This variant is present in population databases (rs786202218, gnomAD 0.0009%). This variant has not been reported in the literature in individuals affected with BRIP1-related conditions. ClinVar contains an entry for this variant (Variation ID: 185494). Invitae Evidence Modeling of protein sequence and biophysical properties (such as structural, functional, and spatial information, amino acid conservation, physicochemical variation, residue mobility, and thermodynamic stability) has been performed for this missense variant. However, the output from this modeling did not meet the statistical confidence thresholds required to predict the impact of this variant on BRIP1 protein function. In summary, the available evidence is currently insufficient to determine the role of this variant in disease. Therefore, it has been classified as a Variant of Uncertain Significance.

Color Diagnostics, LLC DBA Color Health
Classification: Uncertain significance for Hereditary cancer-predisposing syndrome. Last evaluated: 2024-03-06. Review status: criteria provided, single submitter. Criteria: ACMG Guidelines, 2015. Collection method: clinical testing. Allele origin: germline.
Comment: This missense variant replaces tyrosine with cysteine at codon 369 of the BRIP1 protein. Computational prediction suggests that this variant may have deleterious impact on protein structure and function (internally defined REVEL score threshold >= 0.7, PMID: 27666373). To our knowledge, functional studies have not been reported for this variant. This variant has not been reported in individuals affected with hereditary cancer in the literature. This variant has been identified in 1/251304 chromosomes in the general population by the Genome Aggregation Database (gnomAD). The available evidence is insufficient to determine the role of this variant in disease conclusively. Therefore, this variant is classified as a Variant of Uncertain Significance.

Ambry Genetics
Classification: Uncertain significance for Hereditary cancer-predisposing syndrome. Last evaluated: 2023-09-10. Review status: criteria provided, single submitter. Criteria: Ambry Variant Classification Scheme 2023. Collection method: clinical testing. Allele origin: germline.
Comment: The p.Y369C variant (also known as c.1106A>G), located in coding exon 7 of the BRIP1 gene, results from an A to G substitution at nucleotide position 1106. The tyrosine at codon 369 is replaced by cysteine, an amino acid with highly dissimilar properties. This amino acid position is highly conserved in available vertebrate species. In addition, this alteration is predicted to be deleterious by in silico analysis. Since supporting evidence is limited at this time, the clinical significance of this alteration remains unclear.

GeneDx
Classification: Uncertain significance. Last evaluated: 2023-08-17. Review status: criteria provided, single submitter. Criteria: GeneDx Variant Classification Process June 2021. Collection method: clinical testing. Allele origin: germline. Affected: yes.
Comment: Not observed at significant frequency in large population cohorts (gnomAD); In silico analysis supports that this missense variant has a deleterious effect on protein structure/function; Has not been previously published as pathogenic or benign to our knowledge

Myriad Genetics, Inc.
Classification: Uncertain significance for Familial cancer of breast. Last evaluated: 2023-02-28. Review status: criteria provided, single submitter. Criteria: Myriad Autosomal Dominant, Autosomal Recessive and X-Linked Classification Criteria (2023). Collection method: clinical testing. Allele origin: unknown.
Comment: This variant is classified as a variant of uncertain significance as there is insufficient evidence to determine its impact on protein function and/or cancer risk.

Counsyl
Classification: Uncertain significance for Fanconi anemia complementation group J. Last evaluated: 2016-07-18. Review status: no assertion criteria provided. Collection method: clinical testing. Allele origin: unknown. Not counted in ClinVar's aggregate classification.

Counsyl
Classification: Uncertain significance for Ovarian cancer. Last evaluated: 2016-07-18. Review status: no assertion criteria provided. Collection method: clinical testing. Allele origin: unknown. Not counted in ClinVar's aggregate classification.

NM_032043.3(BRIP1):c.1106A>G (p.Tyr369Cys)

Gene: BRIP1 (BRCA1 interacting DNA helicase 1; minus strand). Cytogenetic location: 17q23.2.
Variant type: single nucleotide variant.
Coding change: c.1106A>G on transcript NM_032043.3 (MANE Select); coding-DNA position 1106, A replaced by G.
Protein change: p.Tyr369Cys; replaces tyrosine 369 with cysteine.
Molecular consequence: missense variant.
Genome position (GRCh38, 1-based): chr17:61,801,287, T>C on the plus strand (A>G on the coding strand, the complement: BRIP1 is on the minus strand). VCF-style: chr17-61801287-T-C. GRCh37 (hg19) VCF-style: chr17-59878648-T-C.
Other names: short protein forms Y369C.
Identifiers: ClinVar variation 185494 (VCV000185494.24), dbSNP rs786202218, ClinGen allele CA192106.